The following is an entry in ClinVar:

ClinVar aggregate classification (germline): Uncertain significance (1 of 4 stars; one submission).

Conditions:
Hereditary cancer-predisposing syndrome. Also called: Hereditary neoplastic syndrome; Tumor predisposition; Hereditary Cancer Syndrome; Neoplastic Syndromes, Hereditary. Identifiers: Orphanet 140162, MedGen C0027672, MeSH D009386, MONDO:0015356.

Submission:

Ambry Genetics
Classification: Uncertain significance for Hereditary cancer-predisposing syndrome. Last evaluated: 2023-08-06. Review status: criteria provided, single submitter. Criteria: Ambry Variant Classification Scheme 2023. Collection method: clinical testing. Allele origin: germline.
Comment: The p.N1224K variant (also known as c.3672C>A), located in coding exon 24 of the RAD50 gene, results from a C to A substitution at nucleotide position 3672. The asparagine at codon 1224 is replaced by lysine, an amino acid with similar properties. This amino acid position is conserved. In addition, this alteration is predicted to be tolerated by in silico analysis. Since supporting evidence is limited at this time, the clinical significance of this alteration remains unclear.

NM_005732.4(RAD50):c.3672C>A (p.Asn1224Lys)

Genes: RAD50 (RAD50 double strand break repair protein; plus strand), TH2LCRR (T helper type 2 locus control region associated RNA; minus strand), TH2-LCR (Th2 cytokine locus control region; plus strand). Cytogenetic location: 5q31.1.
Variant type: single nucleotide variant.
Coding change: c.3672C>A on transcript NM_005732.4 (MANE Select); coding-DNA position 3672, C replaced by A.
Protein change: p.Asn1224Lys; replaces asparagine 1224 with lysine.
Molecular consequence: missense variant.
Genome position (GRCh38, 1-based): chr5:132,640,725, C>A. VCF-style: chr5-132640725-C-A. GRCh37 (hg19) VCF-style: chr5-131976417-C-A.
Other names: short protein forms N1224K.
Identifiers: ClinVar variation 2586248 (VCV002586248.2), dbSNP rs1220065101, ClinGen allele CA360934122.